The following is an entry in ClinVar:

NM_004329.3(BMPR1A):c.1199C>A (p.Thr400Asn)

Gene: BMPR1A (bone morphogenetic protein receptor type 1A; plus strand). Cytogenetic location: 10q23.2.
Variant type: single nucleotide variant.
Coding change: c.1199C>A on transcript NM_004329.3 (MANE Select); coding-DNA position 1199, C replaced by A.
Protein change: p.Thr400Asn; replaces threonine 400 with asparagine.
Molecular consequence: missense variant.
Genome position (GRCh38, 1-based): chr10:86,921,552, C>A. VCF-style: chr10-86921552-C-A. GRCh37 (hg19) VCF-style: chr10-88681309-C-A.
Other names: short protein forms T400N.
Identifiers: ClinVar variation 529925 (VCV000529925.10), dbSNP rs1554891317, ClinGen allele CA377461925.

ClinVar aggregate classification (germline): Uncertain significance (1 of 4 stars; one submission).

Conditions:
Juvenile polyposis syndrome (JPS). Identifiers: Orphanet 2929, MedGen C0345893, MONDO:0017380, OMIM 174900.

Submission:

Labcorp Genetics (formerly Invitae), Labcorp
Classification: Uncertain significance for Juvenile polyposis syndrome. Last evaluated: 2022-06-20. Review status: criteria provided, single submitter. Criteria: Invitae Variant Classification Sherloc (09022015). Collection method: clinical testing. Allele origin: germline.
Comment: In summary, the available evidence is currently insufficient to determine the role of this variant in disease. Therefore, it has been classified as a Variant of Uncertain Significance. Advanced modeling of protein sequence and biophysical properties (such as structural, functional, and spatial information, amino acid conservation, physicochemical variation, residue mobility, and thermodynamic stability) performed at Invitae indicates that this missense variant is not expected to disrupt BMPR1A protein function. ClinVar contains an entry for this variant (Variation ID: 529925). This variant has not been reported in the literature in individuals affected with BMPR1A-related conditions. This variant is not present in population databases (gnomAD no frequency). This sequence change replaces threonine, which is neutral and polar, with asparagine, which is neutral and polar, at codon 400 of the BMPR1A protein (p.Thr400Asn).